The following is an entry in ClinVar:

ClinVar aggregate classification (germline): Uncertain significance. Review status: criteria provided, multiple submitters, no conflicts (2 of 4 stars). 2 submissions from 2 submitters: Uncertain significance (2). Last evaluated 2025-08-23.

Conditions:
Nephronophthisis. Also called: Juvenile Nephronophthisis. Identifiers: Orphanet 655, MedGen C0687120, MONDO:0019005, HP:0000090.
Inborn genetic diseases. Identifiers: MedGen C0950123, MeSH D030342.

Allele frequency attached by ClinVar (database versions not stated): ExAC 0.00001; gnomAD 0.00001; gnomAD exomes 0.00001 and 0.00003; TOPMed 0.00001.
gnomAD v4.1: 41 of 1,613,564 alleles (0.0025%); highest among the groups gnomAD compares: Non-Finnish European, 0.0033%; no homozygotes.

Submissions (2):

Ambry Genetics
Classification: Uncertain significance for Inborn genetic diseases. Last evaluated: 2025-08-23. Review status: criteria provided, single submitter. Criteria: Ambry Variant Classification Scheme 2023. Collection method: clinical testing. Allele origin: germline.

Labcorp Genetics (formerly Invitae), Labcorp
Classification: Uncertain significance for Nephronophthisis. Last evaluated: 2021-04-13. Review status: criteria provided, single submitter. Criteria: Invitae Variant Classification Sherloc (09022015). Collection method: clinical testing. Allele origin: germline.
Comment: Algorithms developed to predict the effect of sequence changes on RNA splicing suggest that this variant may create or strengthen a splice site, but this prediction has not been confirmed by published transcriptional studies. Algorithms developed to predict the effect of missense changes on protein structure and function (SIFT, PolyPhen-2, Align-GVGD) all suggest that this variant is likely to be tolerated, but these predictions have not been confirmed by published functional studies and their clinical significance is uncertain. This variant has not been reported in the literature in individuals with NPHP4-related conditions. This variant is present in population databases (rs770887836, ExAC 0.002%). This sequence change replaces threonine with serine at codon 1257 of the NPHP4 protein (p.Thr1257Ser). The threonine residue is moderately conserved and there is a small physicochemical difference between threonine and serine. In summary, the available evidence is currently insufficient to determine the role of this variant in disease. Therefore, it has been classified as a Variant of Uncertain Significance.

NM_015102.5(NPHP4):c.3769A>T (p.Thr1257Ser)

Gene: NPHP4 (nephrocystin 4; minus strand). Cytogenetic location: 1p36.31.
Variant type: single nucleotide variant.
Coding change: c.3769A>T on transcript NM_015102.5 (MANE Select); coding-DNA position 3769, A replaced by T.
Protein change: p.Thr1257Ser; replaces threonine 1257 with serine.
Molecular consequence: missense variant. On other transcripts: non-coding transcript variant (1).
Genome position (GRCh38, 1-based): chr1:5,865,149, T>A on the plus strand (A>T on the coding strand, the complement: NPHP4 is on the minus strand). VCF-style: chr1-5865149-T-A. GRCh37 (hg19) VCF-style: chr1-5925209-T-A.
Other names: c.3769A>T (NM_015102.3); c.2230A>T, p.Thr744Ser (NM_001291593.2); c.2233A>T, p.Thr745Ser (NM_001291594.2); short protein forms T744S, T1257S, T745S.
Identifiers: ClinVar variation 1434147 (VCV001434147.9), dbSNP rs770887836, ClinGen allele CA553476.